The following is an entry in ClinVar:

NM_000423.3(KRT2):c.970A>T (p.Ile324Leu)

Gene: KRT2 (keratin 2; minus strand). Cytogenetic location: 12q13.13.
Variant type: single nucleotide variant.
Coding change: c.970A>T on transcript NM_000423.3 (MANE Select); coding-DNA position 970, A replaced by T.
Protein change: p.Ile324Leu; replaces isoleucine 324 with leucine.
Molecular consequence: missense variant.
Genome position (GRCh38, 1-based): chr12:52,648,325, T>A on the plus strand (A>T on the coding strand, the complement: KRT2 is on the minus strand). VCF-style: chr12-52648325-T-A. GRCh37 (hg19) VCF-style: chr12-53042109-T-A.
Other names: short protein forms I324L.
Identifiers: ClinVar variation 4082107 (VCV004082107.1).

ClinVar aggregate classification (germline): Benign (1 of 4 stars; one submission).

Conditions:
Ichthyosis bullosa of Siemens (IBS). Also called: Superficial epidermolytic ichthyosis. Identifiers: Orphanet 455, MedGen C0432306, MONDO:0007813, OMIM 146800.

Submission:

Medical Genetics Laboratory, Niloo Shiraz Laboratory
Classification: Benign for Ichthyosis bullosa of Siemens. Review status: criteria provided, single submitter. Criteria: ACMG Guidelines, 2015. Collection method: clinical testing. Allele origin: germline. Inheritance: Autosomal dominant inheritance. Affected: no.
Comment: This variant was observed in multiple healthy individuals in our Niloo-exome database and is also reported in gnomAD with a frequency of ƒ =0.00000547. Considering its allele frequency, age of onset, and in silico predictions, we classified this variant as benign